The following is an entry in ClinVar:

ClinVar aggregate classification (germline): Uncertain significance (1 of 4 stars; one submission).

gnomAD v4.1: 1 of 1,613,676 alleles (0.000062%); highest among the groups gnomAD compares: South Asian, 0.0011%; no homozygotes.

Submission:

Mayo Clinic Laboratories, Mayo Clinic
Classification: Uncertain significance. Last evaluated: 2025-06-27. Review status: criteria provided, single submitter. Criteria: ACMG Guidelines, 2015. Collection method: clinical testing. Allele origin: germline. Observed: 1 variant allele.
Comment: BP4, PM2_supporting

NM_000138.5(FBN1):c.2419+5A>G

Gene: FBN1 (fibrillin 1; minus strand). Cytogenetic location: 15q21.1.
Variant type: single nucleotide variant.
Coding change: c.2419+5A>G on transcript NM_000138.5 (MANE Select); 5 bases into the intron after coding-DNA position 2419, A replaced by G.
Molecular consequence: intron variant.
Genome position (GRCh38, 1-based): chr15:48,496,095, T>C on the plus strand (A>G on the coding strand, the complement: FBN1 is on the minus strand). VCF-style: chr15-48496095-T-C. GRCh37 (hg19) VCF-style: chr15-48788292-T-C.
Other names: c.2419+5A>G (NM_001406716.1).
Identifiers: ClinVar variation 4541946 (VCV004541946.1).
Genomic context (GRCh38, chr15:48,496,095, plus strand): 5'-TGGTTTTCTAATGGCATTCCAAAAGATAGCAAAGTACACAGTATAAGAACAAAAATATGG[T>C]TTACCTTCACATGTTTTTAGATCAGGTTTGTAGATAAATCCCTTGGGGCAGGTACAGACA-3'